The following is an entry in ClinVar:

NM_152393.4(KLHL40):c.1372_1383del (p.Leu458_Met461del)

Gene: KLHL40 (kelch like family member 40; plus strand). Cytogenetic location: 3p22.1.
Variant type: Deletion.
Coding change: c.1372_1383del on transcript NM_152393.4 (MANE Select); coding-DNA positions 1372 to 1383, 12 bases deleted (CTCTCCCACATG).
Protein change: p.Leu458_Met461del.
Molecular consequence: inframe deletion.
Genome position (GRCh38, 1-based): chr3:42,688,668-42,688,679, CTCTCCCACATG deleted; deleting any 12 consecutive bases within chr3:42,688,666-42,688,679 gives the same sequence; the c. name uses the placement nearest the transcript's 3' end. VCF-style (leftmost placement, unchanged base first): chr3-42688665-GTGCTCTCCCACA-G. GRCh37 (hg19) VCF-style: chr3-42730157-GTGCTCTCCCACA-G.
Identifiers: ClinVar variation 474328 (VCV000474328.1), dbSNP rs1553680747, ClinGen allele CA658657290.

ClinVar aggregate classification (germline): Uncertain significance (1 of 4 stars; one submission).

Conditions:
Nemaline myopathy 8 (NEM8). Also called: Nemaline myopathy 8, autosomal recessive. Identifiers: Orphanet 171430, MedGen C3809209, MONDO:0014138, OMIM 615348.

Submission:

Labcorp Genetics (formerly Invitae), Labcorp
Classification: Uncertain significance for Nemaline myopathy 8. Last evaluated: 2017-11-14. Review status: criteria provided, single submitter. Criteria: Invitae Variant Classification Sherloc (09022015). Collection method: clinical testing. Allele origin: germline.
Comment: This variant, c.1372_1383delCTCTCCCACATG, results in the deletion of 4 amino acid(s) of the KLHL40 protein (p.Leu458_Met461del), but otherwise preserves the integrity of the reading frame. This variant is not present in population databases (ExAC no frequency). This variant has not been reported in the literature in individuals with a KLHL40-related disease. In summary, this variant has uncertain impact on KLHL40 function. The available evidence is currently insufficient to determine its role in disease. Therefore, it has been classified as a Variant of Uncertain Significance.